The following is an entry in ClinVar:

ClinVar aggregate classification (germline): Uncertain significance (1 of 4 stars; one submission).

gnomAD v4.1: 3 of 1,613,438 alleles (0.00019%); highest among the groups gnomAD compares: African/African-American, 0.004%; no homozygotes.

Submission:

GeneDx
Classification: Uncertain significance. Last evaluated: 2025-06-23. Review status: criteria provided, single submitter. Criteria: GeneDx Variant Classification Process June 2021. Collection method: clinical testing. Allele origin: germline. Affected: yes.
Comment: Not observed at significant frequency in large population cohorts (gnomAD); In silico analysis suggests that this missense variant does not alter protein structure/function; Has not been previously published as pathogenic or benign to our knowledge

NM_004973.4(JARID2):c.936G>A (p.Met312Ile)

Gene: JARID2 (jumonji and AT-rich interaction domain containing 2; plus strand). Cytogenetic location: 6p22.3.
Variant type: single nucleotide variant.
Coding change: c.936G>A on transcript NM_004973.4 (MANE Select); coding-DNA position 936, G replaced by A.
Protein change: p.Met312Ile; replaces methionine 312 with isoleucine.
Molecular consequence: missense variant.
Genome position (GRCh38, 1-based): chr6:15,496,161, G>A. VCF-style: chr6-15496161-G-A. GRCh37 (hg19) VCF-style: chr6-15496392-G-A.
Other names: c.420G>A, p.Met140Ile (NM_001267040.1); short protein forms M140I, M312I.
Identifiers: ClinVar variation 4540128 (VCV004540128.1).